The following is an entry in ClinVar:

NM_006662.3(SRCAP):c.1834C>G (p.Leu612Val)

Gene: SRCAP (Snf2 related CREBBP activator protein; plus strand). Cytogenetic location: 16p11.2.
Variant type: single nucleotide variant.
Coding change: c.1834C>G on transcript NM_006662.3 (MANE Select); coding-DNA position 1834, C replaced by G.
Protein change: p.Leu612Val; replaces leucine 612 with valine.
Molecular consequence: missense variant.
Genome position (GRCh38, 1-based): chr16:30,712,280, C>G. VCF-style: chr16-30712280-C-G. GRCh37 (hg19) VCF-style: chr16-30723601-C-G.
Other names: short protein forms L612V.
Identifiers: ClinVar variation 1993701 (VCV001993701.4), dbSNP rs759309652, ClinGen allele CA8011087.

ClinVar aggregate classification (germline): Uncertain significance (1 of 4 stars; one submission).

Allele frequency attached by ClinVar (database versions not stated): ExAC 0.00001.
gnomAD v4.1: 1 of 1,597,580 alleles (0.000063%); highest among the groups gnomAD compares: Non-Finnish European, 0.000085%; no homozygotes.

Submission:

Labcorp Genetics (formerly Invitae), Labcorp
Classification: Uncertain significance. Last evaluated: 2022-06-20. Review status: criteria provided, single submitter. Criteria: Invitae Variant Classification Sherloc (09022015). Collection method: clinical testing. Allele origin: germline.
Comment: This variant is present in population databases (rs759309652, gnomAD 0.0009%). This sequence change replaces leucine, which is neutral and non-polar, with valine, which is neutral and non-polar, at codon 612 of the SRCAP protein (p.Leu612Val). This variant has not been reported in the literature in individuals affected with SRCAP-related conditions. In summary, the available evidence is currently insufficient to determine the role of this variant in disease. Therefore, it has been classified as a Variant of Uncertain Significance. Algorithms developed to predict the effect of missense changes on protein structure and function are either unavailable or do not agree on the potential impact of this missense change (SIFT: "Deleterious"; PolyPhen-2: "Not Available"; Align-GVGD: "Class C25").